The following is an entry in ClinVar:

NM_005228.5(EGFR):c.3046T>C (p.Tyr1016His)

Gene: EGFR (epidermal growth factor receptor; plus strand). Cytogenetic location: 7p11.2.
Variant type: single nucleotide variant.
Coding change: c.3046T>C on transcript NM_005228.5 (MANE Select); coding-DNA position 3046, T replaced by C.
Protein change: p.Tyr1016His; replaces tyrosine 1016 with histidine.
Molecular consequence: missense variant.
Genome position (GRCh38, 1-based): chr7:55,201,287, T>C. VCF-style: chr7-55201287-T-C. GRCh37 (hg19) VCF-style: chr7-55268980-T-C.
Other names: c.2911T>C, p.Tyr971His (NM_001346897.2, NM_001346899.2); c.3046T>C, p.Tyr1016His (NM_001346898.2); c.2887T>C, p.Tyr963His (NM_001346900.2); c.2245T>C, p.Tyr749His (NM_001346941.2); short protein forms Y971H, Y749H, Y963H, Y1016H.
Identifiers: ClinVar variation 4842911 (VCV004842911.1).

ClinVar aggregate classification (germline): Uncertain significance (1 of 4 stars; one submission).

Conditions:
Hereditary cancer-predisposing syndrome. Also called: Neoplastic Syndromes, Hereditary; Tumor predisposition; Hereditary Cancer Syndrome; Hereditary neoplastic syndrome. Identifiers: Orphanet 140162, MedGen C0027672, MeSH D009386, MONDO:0015356.

Submission:

Ambry Genetics
Classification: Uncertain significance for Hereditary cancer-predisposing syndrome. Last evaluated: 2025-12-22. Review status: criteria provided, single submitter. Criteria: Ambry Variant Classification Scheme 2023. Collection method: clinical testing. Allele origin: germline.
Comment: The p.Y1016H variant (also known as c.3046T>C), located in coding exon 25 of the EGFR gene, results from a T to C substitution at nucleotide position 3046. The tyrosine at codon 1016 is replaced by histidine, an amino acid with similar properties. This amino acid position is highly conserved in available vertebrate species. In addition, the in silico prediction for this alteration is inconclusive. Based on the available evidence, the clinical significance of this variant remains unclear.